The following is an entry in ClinVar:

NM_001063.4(TF):c.862C>T (p.Gln288Ter)

Gene: TF (transferrin; plus strand). Cytogenetic location: 3q22.1.
Variant type: single nucleotide variant.
Coding change: c.862C>T on transcript NM_001063.4 (MANE Select); coding-DNA position 862, C replaced by T.
Protein change: p.Gln288Ter; replaces glutamine 288 with a stop codon.
Molecular consequence: nonsense.
Genome position (GRCh38, 1-based): chr3:133,757,001, C>T. VCF-style: chr3-133757001-C-T. GRCh37 (hg19) VCF-style: chr3-133475845-C-T.
Other names: c.730C>T, p.Gln244Ter (NM_001354703.2); c.481C>T, p.Gln161Ter (NM_001354704.2); short protein forms Q161*, Q244*, Q288*.
Identifiers: ClinVar variation 5014246 (VCV005014246.1).

ClinVar aggregate classification (germline): Pathogenic (1 of 4 stars; one submission).

Conditions:
Atransferrinemia. Also called: Familial hypotransferrinemia. Identifiers: Orphanet 1195, MedGen C0521802, MONDO:0008846, OMIM 209300, HP:0012239.

Submission:

Myriad Genetics, Inc.
Classification: Pathogenic for Atransferrinemia. Last evaluated: 2025-03-22. Review status: criteria provided, single submitter. Criteria: Myriad Autosomal Dominant, Autosomal Recessive and X-Linked Classification Criteria (2023). Collection method: clinical testing. Allele origin: unknown.
Comment: NM_001063.3(TF):c.862C>T(Q288*) is expected to be pathogenic in the context of atransferrinemia. This variant is predicted to lead to an abnormal or absent protein product due to the creation of a premature termination codon in TF, a gene where loss-of-function variants are known to be pathogenic. Please note: this variant was assessed in the context of healthy population screening.